The following is an entry in ClinVar:

NM_000218.3(KCNQ1):c.1394-3C>T

Genes: KCNQ1 (potassium voltage-gated channel subfamily Q member 1; plus strand), KCNQ1OT1 (KCNQ1 opposite strand/antisense transcript 1; minus strand). Cytogenetic location: 11p15.5.
Variant type: single nucleotide variant.
Coding change: c.1394-3C>T on transcript NM_000218.3 (MANE Select); 3 bases into the intron before coding-DNA position 1394, C replaced by T.
Molecular consequence: intron variant.
Genome position (GRCh38, 1-based): chr11:2,661,958, C>T. VCF-style: chr11-2661958-C-T. GRCh37 (hg19) VCF-style: chr11-2683188-C-T.
Other names: c.1124-3C>T (NM_001406837.1); c.1298-3C>T (NM_001406836.1); c.854-3C>T (NM_001406838.1); c.1013-3C>T (NM_181798.2).
Identifiers: ClinVar variation 1387094 (VCV001387094.7), dbSNP rs2133855922, ClinGen allele CA472236221.

ClinVar aggregate classification (germline): Uncertain significance (1 of 4 stars; one submission).

Conditions:
Long QT syndrome (LQTS). Identifiers: MedGen C0023976, MeSH D008133, MONDO:0002442. Disease mechanism: loss of function. Inheritance: Various modes of inheritance.

Submission:

Labcorp Genetics (formerly Invitae), Labcorp
Classification: Uncertain significance for Long QT syndrome. Last evaluated: 2022-07-11. Review status: criteria provided, single submitter. Criteria: Invitae Variant Classification Sherloc (09022015). Collection method: clinical testing. Allele origin: germline.
Comment: In summary, the available evidence is currently insufficient to determine the role of this variant in disease. Therefore, it has been classified as a Variant of Uncertain Significance. Variants that disrupt the consensus splice site are a relatively common cause of aberrant splicing (PMID: 17576681, 9536098). Algorithms developed to predict the effect of sequence changes on RNA splicing suggest that this variant is not likely to affect RNA splicing. ClinVar contains an entry for this variant (Variation ID: 1387094). This variant has not been reported in the literature in individuals affected with KCNQ1-related conditions. This variant is not present in population databases (gnomAD no frequency). This sequence change falls in intron 10 of the KCNQ1 gene. It does not directly change the encoded amino acid sequence of the KCNQ1 protein. It affects a nucleotide within the consensus splice site.

Literature cited by the submitters: PubMed 17576681; PubMed 9536098.